The following is an entry in ClinVar:

ClinVar aggregate classification (germline): Uncertain significance (1 of 4 stars; one submission).

Submission:

Labcorp Genetics (formerly Invitae), Labcorp
Classification: Uncertain significance. Last evaluated: 2023-11-14. Review status: criteria provided, single submitter. Criteria: Invitae Variant Classification Sherloc (09022015). Collection method: clinical testing. Allele origin: germline.
Comment: This variant, c.3859_3861del, results in the deletion of 1 amino acid(s) of the IGSF10 protein (p.Lys1287del), but otherwise preserves the integrity of the reading frame. This variant is present in population databases (rs760378658, gnomAD 0.02%). This variant has not been reported in the literature in individuals affected with IGSF10-related conditions. Experimental studies and prediction algorithms are not available or were not evaluated, and the functional significance of this variant is currently unknown. In summary, the available evidence is currently insufficient to determine the role of this variant in disease. Therefore, it has been classified as a Variant of Uncertain Significance.

NM_178822.5(IGSF10):c.3856AAG[1] (p.Lys1287del)

Gene: IGSF10 (immunoglobulin superfamily member 10; minus strand). Cytogenetic location: 3q25.1.
Variant type: Microsatellite.
Coding change: c.3856AAG[1] on transcript NM_178822.5 (MANE Select); one copy of the 3-base unit AAG starting at c.3856; the reference has two copies in a row; one copy, 3 bases deleted.
Protein change: p.Lys1287del; deletes lysine 1287.
Molecular consequence: inframe deletion.
Genome position (GRCh38, 1-based): chr3:151,446,120-151,446,122, CTT deleted on the plus strand (AAG on the coding strand, the reverse complement: IGSF10 is on the minus strand); deleting any 3 consecutive bases within chr3:151,446,120-151,446,125 gives the same sequence; the position shown is the placement nearest the transcript's 3' end. VCF-style (leftmost placement, unchanged base first): chr3-151446119-CCTT-C. GRCh37 (hg19) VCF-style: chr3-151163907-CCTT-C.
Other names: c.3856AAG[1], p.Lys1287del (NM_001385060.1, NM_001385061.1, NM_001385062.1 and 1 more transcripts); short protein forms K1287del.
Identifiers: ClinVar variation 2885719 (VCV002885719.3), dbSNP rs760378658, ClinGen allele CA2670077.